The following is an entry in ClinVar:

NM_001844.5(COL2A1):c.1573G>A (p.Gly525Ser)

Gene: COL2A1 (collagen type II alpha 1 chain; minus strand). Cytogenetic location: 12q13.11.
Variant type: single nucleotide variant.
Coding change: c.1573G>A on transcript NM_001844.5 (MANE Select); coding-DNA position 1573, G replaced by A.
Protein change: p.Gly525Ser; replaces glycine 525 with serine.
Molecular consequence: missense variant.
Genome position (GRCh38, 1-based): chr12:47,985,920, C>T on the plus strand (G>A on the coding strand, the complement: COL2A1 is on the minus strand). VCF-style: chr12-47985920-C-T. GRCh37 (hg19) VCF-style: chr12-48379703-C-T.
Other names: c.1366G>A, p.Gly456Ser (NM_033150.3); short protein forms G456S, G525S.
Identifiers: ClinVar variation 1676793 (VCV001676793.2), dbSNP rs2136568585, ClinGen allele CA384551975.

ClinVar aggregate classification (germline): Likely pathogenic (1 of 4 stars; one submission).

Conditions:
Spondyloepimetaphyseal dysplasia, Strudwick type (SEMDSTWK). Also called: STRUDWICK SYNDROME; DAPPLED METAPHYSIS SYNDROME. Identifiers: Orphanet 93346, MedGen C0700635, MONDO:0008476, OMIM 184250.
Spondyloperipheral dysplasia. Also called: SPONDYLOPERIPHERAL DYSPLASIA WITH SHORT ULNA; Spondyloperipheral dysplasia-short ulna syndrome. Identifiers: Orphanet 1856, MedGen C0796173, MONDO:0010078, OMIM 271700.
Platyspondylic dysplasia, Torrance type (PLSDT). Identifiers: Orphanet 85166, MedGen C1835437, MONDO:0007895, OMIM 151210.
Achondrogenesis type II (ACG2). Also called: CHONDROGENESIS IMPERFECTA; ACHONDROGENESIS, LANGER-SALDINO TYPE. Identifiers: Orphanet 932, Orphanet 93296, MedGen C0220685, MONDO:0008702, OMIM 200610.
Namaqualand hip dysplasia (OSCDP). Also called: Mild spondyloepiphyseal dysplasia due to COL2A1 mutation with early-onset osteoarthritis. Identifiers: Orphanet 93279, MedGen C0432214, MONDO:0011496, OMIM 604864.
Kniest dysplasia. Identifiers: Orphanet 485, MedGen C0265279, MONDO:0007987, OMIM 156550.

Submission:

Centre of Medical Genetics, University Hospital Muenster
Classification: Likely pathogenic for Achondrogenesis type II; Kniest dysplasia; Namaqualand hip dysplasia; Platyspondylic dysplasia, Torrance type; Spondyloperipheral dysplasia; Spondyloepimetaphyseal dysplasia, Strudwick type. Last evaluated: 2022-04-11. Review status: criteria provided, single submitter. Criteria: ACMG Guidelines, 2015. Collection method: clinical testing. Allele origin: germline. Affected: yes. Observed: 1 variant allele, 1 heterozygote.
Comment: ACMG categories: PS3,PM1,PM2,PP3